The following is an entry in ClinVar:

ClinVar aggregate classification (germline): Conflicting classifications of pathogenicity. Review status: criteria provided, conflicting classifications (1 of 4 stars). 14 submissions from 14 submitters: Uncertain significance (7); Likely benign (5). 2 of the submissions do not count toward it. Last evaluated 2025-11-17.

Conditions:
Familial cancer of breast. Also called: BREAST CANCER, FAMILIAL; hereditary breast carcinoma; Hereditary breast cancer. Identifiers: Orphanet 227535, MedGen C0346153, MONDO:0016419, OMIM 114480. Disease mechanism: loss of function.
Fanconi anemia complementation group D1. Also called: BRCA2-Related Fanconi Anemia. Identifiers: Orphanet 319462, MedGen C1838457, MONDO:0011584, OMIM 605724.
Medulloblastoma (MDB). Also called: Medulloblastoma, somatic; MEDULLOBLASTOMA PREDISPOSITION SYNDROME. Identifiers: Orphanet 616, MedGen C0025149, MeSH D008527, MONDO:0007959, OMIM 155255, HP:0002885.
Breast-ovarian cancer, familial, susceptibility to, 2 (BROVCA2). Also called: BRCA2 Hereditary Breast and Ovarian Cancer. Identifiers: Orphanet 145, MedGen C2675520, MONDO:0012933, OMIM 612555. Disease mechanism: loss of function.
Wilms tumor 1 (WT1). Also called: Wilms tumor, somatic. Identifiers: Orphanet 654, MedGen CN033288, MONDO:0008679, OMIM 194070.
Glioma susceptibility 3 (GLM3). Also called: Glioblastoma 3. Identifiers: Orphanet 182067, Orphanet 360, MedGen C2751641, MONDO:0013093, OMIM 613029.
Pancreatic cancer, susceptibility to, 2. Identifiers: Orphanet 1333, MedGen C3150546, MONDO:0013235, OMIM 613347.
Familial prostate cancer. Also called: Hereditary Prostate Cancer. Identifiers: MedGen C2931456, MONDO:0700275, OMIM 176807.
Hereditary cancer-predisposing syndrome. Also called: Neoplastic Syndromes, Hereditary; Hereditary neoplastic syndrome; Hereditary Cancer Syndrome; Tumor predisposition. Identifiers: Orphanet 140162, MedGen C0027672, MeSH D009386, MONDO:0015356.
Hereditary breast ovarian cancer syndrome. Also called: Breast and ovarian cancer; Hereditary breast and/or ovarian cancer syndrome; Hereditary breast and ovarian cancer syndrome; Hereditary breast and ovarian cancer syndrome (HBOC); Hereditary breast and ovarian cancer; BRCA1- and BRCA2-Associated Hereditary Breast and Ovarian Cancer. Identifiers: Orphanet 145, MedGen C0677776, MeSH D061325, MONDO:0003582. Disease mechanism: loss of function.
Malignant tumor of breast. Also called: Cancer breast; Malignant breast neoplasm. Identifiers: MedGen C0006142, MONDO:0007254. Disease mechanism: loss of function.

Allele frequency attached by ClinVar (database versions not stated): TOPMed below 0.00001; gnomAD exomes 0.00002.
gnomAD v4.1: 33 of 1,602,934 alleles (0.0021%); highest among the groups gnomAD compares: Non-Finnish European, 0.0027%; no homozygotes.

Submissions (14):

Labcorp Genetics (formerly Invitae), Labcorp
Classification: Likely benign for Hereditary breast ovarian cancer syndrome. Last evaluated: 2025-11-17. Review status: criteria provided, single submitter. Criteria: Invitae Variant Classification Sherloc (09022015). Collection method: clinical testing. Allele origin: germline.

Women's Health and Genetics/Laboratory Corporation of America, LabCorp
Classification: Uncertain significance. Last evaluated: 2025-04-25. Review status: criteria provided, single submitter. Criteria: LabCorp Variant Classification Summary - May 2015. Collection method: clinical testing. Allele origin: germline.
Comment: Variant summary: BRCA2 c.4957A>G (p.Thr1653Ala) results in a non-conservative amino acid change in the encoded protein sequence. Four of five in-silico tools predict a benign effect of the variant on protein function. The variant was absent in 241228 control chromosomes (gnomAD). The available data on variant occurrences in the general population are insufficient to allow any conclusion about variant significance. c.4957A>G has been observed in individuals affected with Breast Cancer, as well as unaffected controls (e.g., Dorling_2021, Agaoglu_2024). These reports do not provide unequivocal conclusions about association of the variant with Hereditary Breast And Ovarian Cancer Syndrome. To our knowledge, no experimental evidence demonstrating an impact on protein function has been reported. The following publications have been ascertained in the context of this evaluation (PMID: 33471991, 38308423). ClinVar contains an entry for this variant (Variation ID: 142026). Based on the evidence outlined above, the variant was classified as uncertain significance.

Center for Genomic Medicine, Rigshospitalet, Copenhagen University Hospital
Classification: Likely benign. Last evaluated: 2025-03-04. Review status: criteria provided, single submitter. Criteria: ACMG Guidelines, 2015. Collection method: clinical testing. Allele origin: germline.

Ambry Genetics
Classification: Likely benign for Hereditary cancer-predisposing syndrome. Last evaluated: 2025-02-12. Review status: criteria provided, single submitter. Criteria: Ambry Variant Classification Scheme 2023. Collection method: clinical testing. Allele origin: germline.

Fulgent Genetics
Classification: Uncertain significance for Familial cancer of breast; Medulloblastoma; Familial prostate cancer; Wilms tumor 1; Fanconi anemia complementation group D1; Breast-ovarian cancer, familial, susceptibility to, 2; Glioma susceptibility 3; Pancreatic cancer, susceptibility to, 2. Last evaluated: 2024-06-08. Review status: criteria provided, single submitter. Criteria: ACMG Guidelines, 2015. Collection method: clinical testing. Allele origin: germline.

Blueprint Genetics
Classification: Likely benign. Last evaluated: 2024-04-05. Review status: criteria provided, single submitter. Criteria: ACMG Guidelines, 2015. Collection method: clinical testing. Allele origin: germline.

Color Diagnostics, LLC DBA Color Health
Classification: Uncertain significance for Hereditary cancer-predisposing syndrome. Last evaluated: 2023-09-27. Review status: criteria provided, single submitter. Criteria: ACMG Guidelines, 2015. Collection method: clinical testing. Allele origin: germline.
Comment: This missense variant replaces threonine with alanine at codon 1653 of the BRCA2 protein. Computational prediction suggests that this variant may not impact protein structure and function (internally defined REVEL score threshold <= 0.5, PMID: 27666373). To our knowledge, functional studies have not been reported for this variant. In a large breast cancer case-control meta analysis conducted by the BRIDGES consortium, this variant was reported in 2/60466 cases and 1/53461 unaffected controls, showing inconclusive association with disease (OR= 1.768 (95%CI 0.16 to 19.503); p-value=1; Leiden Open Variation Database DB-ID BRCA2_002507) (PMID: 33471991). This variant has not been identified in the general population by the Genome Aggregation Database (gnomAD). The available evidence is insufficient to determine the role of this variant in disease conclusively. Therefore, this variant is classified as a Variant of Uncertain Significance.

University of Washington Department of Laboratory Medicine, University of Washington
Classification: Likely benign for Hereditary cancer-predisposing syndrome. Last evaluated: 2023-03-23. Review status: criteria provided, single submitter. Criteria: Dines et al. (Genet Med. 2020). Collection method: curation. Allele origin: germline.
Comment: Missense variant in a coldspot region where missense variants are very unlikely to be pathogenic (PMID:31911673).

BRCA2 exon 11 coldspot. Reclassification based on statistical prior probability.

GeneDx
Classification: Uncertain significance. Last evaluated: 2022-12-13. Review status: criteria provided, single submitter. Criteria: GeneDx Variant Classification Process June 2021. Collection method: clinical testing. Allele origin: germline. Affected: yes.
Comment: Not observed at significant frequency in large population cohorts (gnomAD); In silico analysis supports that this missense variant has a deleterious effect on protein structure/function; Also known as 5185A>G; This variant is associated with the following publications: (PMID: 26941049, 31911673, 31853058, 32377563, 29884841)

Quest Diagnostics Nichols Institute San Juan Capistrano
Classification: Uncertain significance. Last evaluated: 2021-05-17. Review status: criteria provided, single submitter. Criteria: Quest Diagnostics criteria. Collection method: clinical testing. Allele origin: unknown.

Department of Pathology and Molecular Medicine, Queen's University
Classification: Uncertain significance. Last evaluated: 2017-04-20. Review status: criteria provided, single submitter. Criteria: ACMG Guidelines, 2015. Collection method: clinical testing. Allele origin: germline. Study: The Canadian Open Genetics Repository (COGR).

Molecular Genetics Laboratory, University of Michigan
Classification: Uncertain significance for Breast-ovarian cancer, familial, susceptibility to, 2. Last evaluated: 2016-04-21. Review status: criteria provided, single submitter. Criteria: ACMG Guidelines, 2015. Collection method: clinical testing. Allele origin: germline. Affected: yes.

BRCAlab, Lund University
Classification: Uncertain significance for Breast-ovarian cancer, familial, susceptibility to, 2. Last evaluated: 2020-03-02. Review status: no assertion criteria provided. Collection method: clinical testing. Allele origin: germline. Affected: yes. Not counted in ClinVar's aggregate classification.

Department of Pathology and Laboratory Medicine, Sinai Health System
Classification: Uncertain significance for Malignant tumor of breast. Review status: no assertion criteria provided. Collection method: clinical testing. Allele origin: unknown. Affected: yes. Study: The Canadian Open Genetics Repository (COGR). Not counted in ClinVar's aggregate classification.
Comment: The p.Thr1653Ala variant was not identified in the literature nor was it identified in the dbSNP, NHLBI Exome Sequencing Project (Exome Variant Server), HGMD, LOVD, COSMIC, or BIC databases. It was identified in ClinVar database (1x by Ambry with uncertain significance) and UMD (1X as a class 3-UV variant). The p.Thr1653 residue is not conserved in mammals and the variant amino acid Alanine was observed in chicken increasing the likelihood this variant may not have clinical significance. Computational analyses (SIFT, AlignGVGD, BLOSUM, MutationTaster) do not suggest a high likelihood of impact to the protein. However, this information is not predictive enough to rule out pathogenicity The c.4957A>G variant occurs outside of the splicing consensus sequence and in silico or computational prediction software (SpliceSiteFinder, MaxEntScan, NNSPLICE, GeneSplicer, HumanSpliceFinder) does not predict a difference in splicing in 4 of 5 different programs. However, this information is not predictive enough to rule out pathogenicity. In summary, based on the above information, the clinical significance of this variant cannot be determined with certainty at this time. This variant is classified as a variant of unknown significance.

Literature cited by the submitters: PubMed 33471991 (cited by Women's Health and Genetics/Laboratory Corporation of America, LabCorp and Color Diagnostics, LLC DBA Color Health); PubMed 38308423 (cited by Women's Health and Genetics/Laboratory Corporation of America, LabCorp).

NM_000059.4(BRCA2):c.4957A>G (p.Thr1653Ala)

Gene: BRCA2 (BRCA2 DNA repair associated; plus strand). Cytogenetic location: 13q13.1.
Variant type: single nucleotide variant.
Coding change: c.4957A>G on transcript NM_000059.4 (MANE Select); coding-DNA position 4957, A replaced by G.
Protein change: p.Thr1653Ala; replaces threonine 1653 with alanine.
Molecular consequence: missense variant.
Genome position (GRCh38, 1-based): chr13:32,339,312, A>G. VCF-style: chr13-32339312-A-G. GRCh37 (hg19) VCF-style: chr13-32913449-A-G.
Other names: short protein forms T1653A.
Identifiers: ClinVar variation 142026 (VCV000142026.35), dbSNP rs587782186, ClinGen allele CA021061.
Genomic context (GRCh38, chr13:32,339,312, plus strand): 5'-ATCTTTTTGAAAGTTAAAGTACATGAAAATGTAGAAAAAGAAACAGCAAAAAGTCCTGCA[A>G]CTTGTTACACAAATCAGTCCCCTTATTCAGTCATTGAAAATTCAGCCTTAGCTTTTTACA-3'
Protein context (NP_000050.3, residues 1643-1663): VEKETAKSPA[Thr1653Ala]CYTNQSPYSV